The following is an entry in ClinVar:

ClinVar aggregate classification (germline): Uncertain significance. Review status: reviewed by expert panel (3 of 4 stars). 4 submissions from 4 submitters: Uncertain significance (1). 3 of the submissions do not count toward it. Last evaluated 2026-05-19.

Conditions:
SHORT syndrome. Also called: SHORT STATURE, HYPEREXTENSIBILITY, HERNIA, OCULAR DEPRESSION, RIEGER ANOMALY, AND TEETHING DELAY; PIK3R1-Related SHORT Syndrome; LIPODYSTROPHY, PARTIAL, WITH RIEGER ANOMALY AND SHORT STATURE. Identifiers: Orphanet 3163, MedGen C0878684, MONDO:0010026, OMIM 269880.
PIK3R1-related immunodeficiency and SHORT syndrome. Identifiers: MedGen CN379774, MONDO:1060136.
Immunodeficiency 36 with lymphoproliferation. Also called: ACTIVATED PI3K-DELTA SYNDROME 2; Activated PI3K Delta Syndrome Type 2 (APDS2); Immunodeficiency 36. Identifiers: Orphanet 397596, Orphanet 693681, MedGen C4014934, MONDO:0014453, OMIM 616005.
Agammaglobulinemia 7, autosomal recessive (AGM7). Also called: AGAMMAGLOBULINEMIA, AUTOSOMAL RECESSIVE, DUE TO PIK3R1 DEFECT. Identifiers: MedGen C3554689, MONDO:0014083, OMIM 615214.

Allele frequency attached by ClinVar (database versions not stated): gnomAD 0.00005 and 0.00009; TOPMed 0.00006; ESP Exome Variant Server 0.00008; gnomAD exomes 0.00017 and 0.00024; ExAC 0.00028.
gnomAD v4.1: 264 of 1,612,758 alleles (0.016%); highest among the groups gnomAD compares: South Asian, 0.11%; no homozygotes.

Submissions (4):

ClinGen Primary Immune Regulatory Disorders Variant Curation Expert Panel, ClinGen
Classification: Uncertain significance for PIK3R1-related immunodeficiency and SHORT syndrome. Last evaluated: 2026-05-19. Review status: reviewed by expert panel. Criteria: ClinGen AbDef ACMG Specifications PIK3R1 V1.0.0. Collection method: curation. Allele origin: germline. Inheritance: Autosomal dominant inheritance.
Comment: NM_181523.3(PIK3R1):c.305C>T (p.Ser102Leu) is a missense variant causing the substitution of serine by leucine at amino acid 102. This variant is absent from gnomAD v4.1.0 (PM2_Supporting). This variant has been reported in at least 1 proband meeting the VCEP standard for phenotypic criteria, including premature birth, short stature (2 pts), hyperthyroidism, oral-pharyngeal dysphagia, abnormality of vision, abnormality of the nervous system, EEG abnormality, generalized hypotonia, memory impairment, seizure, anxiety, atrophic scars, multiple cafe au lait spots, hyperextensible skin and joint hypermobility (0.5 pts) abnormality of the musculature of the limbs, cardiac arrhythmia, cardiomyopathy, feeding difficulties, abnormal esophagus and stomach morphology, abnormal inflammatory response, abnormalities of the diaphragm and upper respiratory tract, recurrent infections (4 pts), abnormal thrombosis, bruising susceptibility, and an abnormal number of teeth, with genetic testing by whole exome sequencing that did not identify an alternative basis for disease in the PIK3CD gene (6.5 total points, ClinVar Accession #: SCV002075162.2 PS4_Supporting). The computational predictor REVEL gives a score of 0.096, which is below the ClinGen Antibody Deficiencies VCEP threshold of <0.290 and predicts a non-damaging effect on PIK3R1 function. The computational predictor CADD gives a PHRED score of 22.8, which is above the ClinGen Antibody Deficiencies VCEP threshold of <21.5 and does not predict a non-deleterious effect on PIK3R1 function. Because the two predictors do not agree on a non-damaging effect, BP4 is not met. The splicing impact predictor SpliceAI gives a score of 0.18 for donor loss, which is below the ClinGen Antibody Deficiencies VCEP recommended threshold of <0.1 and does not strongly predict an impact on splicing. In summary, this variant meets the criteria to be classified as a variant of uncertain significance for autosomal dominant PIK3R1-related immunodeficiency and SHORT syndrome based on the ACMG/AMP criteria applied, as specified by the ClinGen Antibody Deficiencies VCEP: PM2_Supporting and PS4_Supporting. (VCEP specifications version 1.0.0; date of approval 04/29/2026).

Labcorp Genetics (formerly Invitae), Labcorp
Classification: Likely benign for SHORT syndrome; Immunodeficiency 36 with lymphoproliferation; Agammaglobulinemia 7, autosomal recessive. Last evaluated: 2025-10-07. Review status: criteria provided, single submitter. Criteria: Invitae Variant Classification Sherloc (09022015). Collection method: clinical testing. Allele origin: germline. Not counted in ClinVar's aggregate classification.

Revvity Omics, Revvity
Classification: Uncertain significance. Last evaluated: 2022-03-14. Review status: criteria provided, single submitter. Criteria: ACMG Guidelines, 2015. Collection method: clinical testing. Allele origin: germline. Not counted in ClinVar's aggregate classification.

Blueprint Genetics
Classification: Uncertain significance. Last evaluated: 2022-03-07. Review status: criteria provided, single submitter. Criteria: ACMG Guidelines, 2015. Collection method: clinical testing. Allele origin: germline. Not counted in ClinVar's aggregate classification.

NM_181523.3(PIK3R1):c.305C>T (p.Ser102Leu)

Gene: PIK3R1 (phosphoinositide-3-kinase regulatory subunit 1; plus strand). Cytogenetic location: 5q13.1.
Variant type: single nucleotide variant.
Coding change: c.305C>T on transcript NM_181523.3 (MANE Select); coding-DNA position 305, C replaced by T.
Protein change: p.Ser102Leu; replaces serine 102 with leucine.
Molecular consequence: missense variant.
Genome position (GRCh38, 1-based): chr5:68,226,980, C>T. VCF-style: chr5-68226980-C-T. GRCh37 (hg19) VCF-style: chr5-67522808-C-T.
Other names: NM_181523.3(PIK3R1):c.305C>T; p.Ser102Leu; short protein forms S102L.
Identifiers: ClinVar variation 1132785 (VCV001132785.15), dbSNP rs368742778, ClinGen allele CA3289968.